The following is an entry in ClinVar:

NM_001267550.2(TTN):c.105428del (p.Gly35143fs)

Genes: TTN-AS1 (TTN antisense RNA 1; plus strand), TTN (titin; minus strand). Cytogenetic location: 2q31.2.
Variant type: Deletion.
Coding change: c.105428del on transcript NM_001267550.2 (MANE Select); coding-DNA position 105428, one base deleted (G; older notation c.105428delG).
Protein change: p.Gly35143fs; shifts the reading frame from glycine 35143.
Molecular consequence: frameshift variant.
Genome position (GRCh38, 1-based): chr2:178,531,187, C deleted on the plus strand (G on the coding strand, the reverse complement: TTN is on the minus strand); the first of 3 consecutive C bases (chr2:178,531,187-178,531,189); deleting any one gives the same sequence. VCF-style (leftmost placement, unchanged base first): chr2-178531186-GC-G. GRCh37 (hg19) VCF-style: chr2-179395913-GC-G.
Other names: c.100505del, p.Gly33502fs (NM_001256850.1); c.78233del, p.Gly26078fs (NM_003319.4); c.97724del, p.Gly32575fs (NM_133378.4); c.78608del, p.Gly26203fs (NM_133432.3); c.78809del, p.Gly26270fs (NM_133437.4); c.78233delG (NM_003319.4); short protein forms G33502fs, G35143fs, G26078fs, G26203fs, G26270fs, G32575fs.
Identifiers: ClinVar variation 284241 (VCV000284241.12), dbSNP rs886042825, ClinGen allele CA10604730.

ClinVar aggregate classification (germline): Conflicting classifications of pathogenicity. Review status: criteria provided, conflicting classifications (1 of 4 stars). 5 submissions from 5 submitters: Likely pathogenic (2); Uncertain significance (1). 2 of the submissions do not count toward it. Last evaluated 2025-12-24.

Conditions:
Cardiovascular phenotype. Identifiers: MedGen CN230736.
Autosomal recessive limb-girdle muscular dystrophy type 2J (LGMDR10). Also called: Limb-girdle muscular dystrophy, type 2J; MUSCULAR DYSTROPHY, LIMB-GIRDLE, AUTOSOMAL RECESSIVE 10. Identifiers: Orphanet 140922, MedGen C1837342, MONDO:0012127, OMIM 608807.
Dilated cardiomyopathy 1G (CMD1G). Identifiers: Orphanet 154, MedGen C1858763, MONDO:0011400, OMIM 604145.

Submissions (5):

Labcorp Genetics (formerly Invitae), Labcorp
Classification: Likely pathogenic for Dilated cardiomyopathy 1G; Autosomal recessive limb-girdle muscular dystrophy type 2J. Last evaluated: 2025-12-24. Review status: criteria provided, single submitter. Criteria: Invitae Variant Classification Sherloc (09022015). Collection method: clinical testing. Allele origin: germline.
Comment: This sequence change creates a premature translational stop signal (p.Gly35143Alafs*18) in the TTN gene. While this is not anticipated to result in nonsense mediated decay, it is expected to create a truncated TTN protein. This variant is not present in population databases (gnomAD no frequency). This variant has not been reported in the literature in individuals affected with TTN-related conditions. ClinVar contains an entry for this variant (Variation ID: 284241). This variant is located in the M band of TTN (PMID: 25589632). Truncating variants in this region have been previously reported in individuals affected with autosomal dominant or autosomal recessive myopathy and muscular dystrophy (PMID: 18948003, 23975875, 24395473). Truncating variants in this region have also been identified in individuals affected with autosomal dominant dilated cardiomyopathy and/or cardio-related conditions (PMID: 27869827, 32964742, internal data). In summary, the currently available evidence indicates that the variant is pathogenic, but additional data are needed to prove that conclusively. Therefore, this variant has been classified as Likely Pathogenic.

Ambry Genetics
Classification: Likely pathogenic for Cardiovascular phenotype. Last evaluated: 2025-05-14. Review status: criteria provided, single submitter. Criteria: Ambry Variant Classification Scheme 2023. Collection method: clinical testing. Allele origin: germline.
Comment: The c.78233delG variant, located in coding exon 185 of the TTN gene, results from a deletion of one nucleotide at nucleotide position 78233, causing a translational frameshift with a predicted alternate stop codon (p.G26078Afs*18). This exon is located in the M-band region of the N2-B isoform of the titin protein and is constitutively expressed in TTN transcripts (percent spliced in or PSI 100%). This variant is considered to be rare based on population cohorts in the Genome Aggregation Database (gnomAD). This variant is expected to result in loss of function by premature protein truncation or nonsense-mediated mRNA decay. While truncating variants in TTN are present in 1-3% of the general population, truncating variants in the M-band have been reported in association with autosomal recessive titinopathies, primarily presenting with skeletal myopathy phenotypes (Ceyhan-Birsoy O et al. Neurology. 2013 Oct 1;81(14):1205-14; De Cid R et al. Neurology. 2015;85(24):2126-35). Truncating variants in coding exon 185 of the M-band of the N2-B isoform have also been specifically associated with autosomal dominant dilated cardiomyopathy (Vatta M et al. Circ GenomPrecis Med. 2025 Feb:e004982). More generally, TTN truncating variants encoded in constitutive exons (PSI >90%) have been found to be significantly associated with dilated cardiomyopathy (DCM) regardless of their position, although truncating variants in the A-band are the most common cause of DCM (Herman DS et al. N. Engl. J. Med., 2012 Feb;366:619-28; Roberts AM et al. Sci Transl Med, 2015 Jan;7:270ra6; Schafer S et al. Nat. Genet., 2017 01;49:46-53; Akhtar MM et al. Circ Heart Fail, 2020 Oct;13:e006832; Massier M et al. Clin Genet, 2025 Jan). Based on the majority of available evidence to date, this variant is likely to be pathogenic.

Eurofins Ntd Llc (ga)
Classification: Uncertain significance. Last evaluated: 2015-12-01. Review status: criteria provided, single submitter. Criteria: EGL Classification Definitions 2015. Collection method: clinical testing. Allele origin: germline. Observed: 1 variant allele, 1 heterozygote.

Clinical Genetics DNA and cytogenetics Diagnostics Lab, Erasmus MC, Erasmus Medical Center
Classification: Likely pathogenic. Review status: no assertion criteria provided. Collection method: clinical testing. Allele origin: germline. Affected: yes. Study: VKGL Data-share Consensus. Not counted in ClinVar's aggregate classification.

Genome Diagnostics Laboratory, University Medical Center Utrecht
Classification: Pathogenic. Review status: no assertion criteria provided. Collection method: clinical testing. Allele origin: germline. Affected: yes. Study: VKGL Data-share Consensus. Not counted in ClinVar's aggregate classification.

Literature cited by the submitters: PubMed 25589632 (cited by Labcorp Genetics (formerly Invitae), Labcorp); PubMed 18948003 (cited by Labcorp Genetics (formerly Invitae), Labcorp); PubMed 23975875 (cited by Labcorp Genetics (formerly Invitae), Labcorp); PubMed 24395473 (cited by Labcorp Genetics (formerly Invitae), Labcorp); PubMed 27869827 (cited by Labcorp Genetics (formerly Invitae), Labcorp); PubMed 32964742 (cited by Labcorp Genetics (formerly Invitae), Labcorp).